The following is an entry in ClinVar:

ClinVar aggregate classification (germline): Uncertain significance (1 of 4 stars; one submission).

gnomAD v4.1: 56 of 1,613,716 alleles (0.0035%); highest among the groups gnomAD compares: East Asian, 0.11%; no homozygotes.

Submission:

Labcorp Genetics (formerly Invitae), Labcorp
Classification: Uncertain significance. Last evaluated: 2024-11-24. Review status: criteria provided, single submitter. Criteria: Invitae Variant Classification Sherloc (09022015). Collection method: clinical testing. Allele origin: germline.
Comment: This sequence change affects codon 1670 of the NYNRIN mRNA. It is a 'silent' change, meaning that it does not change the encoded amino acid sequence of the NYNRIN protein. This variant is present in population databases (rs760237300, gnomAD 0.03%). This variant has not been reported in the literature in individuals affected with NYNRIN-related conditions. Experimental studies and prediction algorithms are not available or were not evaluated, and the effect of this variant on mRNA splicing is currently unknown. In summary, the available evidence is currently insufficient to determine the role of this variant in disease. Therefore, it has been classified as a Variant of Uncertain Significance.

NM_025081.3(NYNRIN):c.5010G>A (p.Arg1670=)

Gene: NYNRIN (NYN domain and retroviral integrase containing; plus strand). Cytogenetic location: 14q12.
Variant type: single nucleotide variant.
Coding change: c.5010G>A on transcript NM_025081.3 (MANE Select); coding-DNA position 5010, G replaced by A.
Protein change: p.Arg1670=; no amino-acid change (arginine 1670 retained).
Molecular consequence: synonymous variant.
Genome position (GRCh38, 1-based): chr14:24,416,759, G>A. VCF-style: chr14-24416759-G-A. GRCh37 (hg19) VCF-style: chr14-24885965-G-A.
Identifiers: ClinVar variation 3639734 (VCV003639734.2).